The following is an entry in ClinVar:

NM_005026.5(PIK3CD):c.854T>C (p.Met285Thr)

Gene: PIK3CD (phosphatidylinositol-4,5-bisphosphate 3-kinase catalytic subunit delta; plus strand). Cytogenetic location: 1p36.22.
Variant type: single nucleotide variant.
Coding change: c.854T>C on transcript NM_005026.5 (MANE Select); coding-DNA position 854, T replaced by C.
Protein change: p.Met285Thr; replaces methionine 285 with threonine.
Molecular consequence: missense variant. On other transcripts: intron variant (1).
Genome position (GRCh38, 1-based): chr1:9,717,032, T>C. VCF-style: chr1-9717032-T-C. GRCh37 (hg19) VCF-style: chr1-9777090-T-C.
Other names: NM_005026.5(PIK3CD):c.854T>C; p.Met285Thr; c.854T>C (LRG_191t1); c.854T>C, p.Met285Thr (NM_001350234.2); c.781-14T>C (NM_001350235.1); short protein forms M285T.
Identifiers: ClinVar variation 541085 (VCV000541085.15), dbSNP rs557471275, ClinGen allele CA576999.

ClinVar aggregate classification (germline): Likely benign. Review status: reviewed by expert panel (3 of 4 stars). 7 submissions from 7 submitters: Likely benign (1). 6 of the submissions do not count toward it. Last evaluated 2025-12-19.

Conditions:
Immunodeficiency 14 (IMD14A). Also called: IMMUNODEFICIENCY 14A WITH LYMPHOPROLIFERATION, AUTOSOMAL DOMINANT; Activated PI3K Delta Syndrome Type 1 (APDS1); p110-DELTA-ACTIVATING MUTATION CAUSING SENESCENT T CELLS, LYMPHADENOPATHY, AND IMMUNODEFICIENCY; ACTIVATED PI3K-DELTA SYNDROME 1. Identifiers: Orphanet 397596, Orphanet 693661, MedGen C5907821, MONDO:0014222, OMIM 615513.
Activated PI3K-delta syndrome. Identifiers: Orphanet 397596, MedGen C3714976, MONDO:0018338.

Allele frequency attached by ClinVar (database versions not stated): gnomAD exomes 0.00016 and 0.00012; 1000 Genomes Project 30x 0.00031; ExAC 0.00013; TOPMed 0.00015; 1000 Genomes Project 0.00020; gnomAD 0.00014 and 0.00017.
gnomAD v4.1: 197 of 1,613,854 alleles (0.012%); highest among the groups gnomAD compares: Admixed American, 0.043%; no homozygotes.

Submissions (7):

ClinGen Primary Immune Regulatory Disorders Variant Curation Expert Panel, ClinGen
Classification: Likely benign for Immunodeficiency 14. Last evaluated: 2025-12-19. Review status: reviewed by expert panel. Criteria: ClinGen AbDef ACMG Specifications PIK3CD V1.0.0. Collection method: curation. Allele origin: germline. Inheritance: Autosomal dominant inheritance.
Comment: NM_005026.5(PIK3CD):c.854T>C (p.Met285Thr) is a missense variant that causes substitution of methionine by threonine at amino acid 285. This variant is present in gnomAD v4.1.0 at a total combined allele frequency of 0.0001221, with 197 alleles / 1,613,854 total alleles across all populations of gnomAD, which is higher than the ClinGen Antibody Deficiencies VCEP PM2_Supporting threshold of <0.00000132. This variant is present in gnomAD v4.1.0 at a GrpMax allele frequency of 0.0003032, with 26 alleles / 60,024 total alleles in the Admixed American population, which is lower than the ClinGen Antibody Deficiencies VCEP BS1 threshold of >0.000316, so no population code is met. The computational predictor REVEL gives a score of 0.071, which is below the ClinGen Antibody Deficiencies VCEP threshold of <0.290 and predicts a non-damaging effect on PIK3CD function. The computational predictor CADD gives a PHRED score of 22.5, which is below the ClinGen Antibody Deficiencies VCEP threshold of <22.7 and predicts a non-deleterious effect on PIK3CD function. The two predictors agree on a non-damaging effect (BP4). In summary, this variant meets the criteria to be classified as likely benign for autosomal dominant immunodeficiency 14 based on the ACMG/AMP criteria applied, as specified by the ClinGen Antibody Deficiencies VCEP: BP4. (VCEP specifications version 1.0.0).

Women's Health and Genetics/Laboratory Corporation of America, LabCorp
Classification: Uncertain significance. Last evaluated: 2026-02-12. Review status: criteria provided, single submitter. Criteria: LabCorp Variant Classification Summary - May 2015. Collection method: clinical testing. Allele origin: germline. Not counted in ClinVar's aggregate classification.
Comment: Variant summary: PIK3CD c.854T>C (p.Met285Thr) results in a non-conservative amino acid change in the encoded protein sequence. Algorithms developed to predict the effect of missense changes on protein structure and function are either unavailable or do not agree on the potential impact of this missense change. The variant allele was found at a frequency of 0.00016 in 251356 control chromosomes. This frequency is not significantly higher than estimated for disease-causing variants in PIK3CD, allowing no conclusion about variant significance. To our knowledge, no occurrence of c.854T>C in individuals affected with PIK3CD-related conditions and no experimental evidence demonstrating its impact on protein function have been reported. ClinVar contains an entry for this variant (Variation ID: 541085). Based on the evidence outlined above, the variant was classified as uncertain significance.

Labcorp Genetics (formerly Invitae), Labcorp
Classification: Uncertain significance for Activated PI3K-delta syndrome. Last evaluated: 2026-02-01. Review status: criteria provided, single submitter. Criteria: Invitae Variant Classification Sherloc (09022015). Collection method: clinical testing. Allele origin: germline. Not counted in ClinVar's aggregate classification.
Comment: This sequence change replaces methionine, which is neutral and non-polar, with threonine, which is neutral and polar, at codon 285 of the PIK3CD protein (p.Met285Thr). This variant is present in population databases (rs557471275, gnomAD 0.05%). This variant has not been reported in the literature in individuals affected with PIK3CD-related conditions. ClinVar contains an entry for this variant (Variation ID: 541085). Invitae Evidence Modeling of protein sequence and biophysical properties (such as structural, functional, and spatial information, amino acid conservation, physicochemical variation, residue mobility, and thermodynamic stability) indicates that this missense variant is not expected to disrupt PIK3CD protein function with a negative predictive value of 80%. In summary, the available evidence is currently insufficient to determine the role of this variant in disease. Therefore, it has been classified as a Variant of Uncertain Significance.

Blueprint Genetics
Classification: Likely benign. Last evaluated: 2024-11-08. Review status: criteria provided, single submitter. Criteria: ACMG Guidelines, 2015. Collection method: clinical testing. Allele origin: germline. Not counted in ClinVar's aggregate classification.

Laboratorio de Genetica e Diagnostico Molecular, Hospital Israelita Albert Einstein
Classification: Uncertain significance. Last evaluated: 2019-11-25. Review status: criteria provided, single submitter. Criteria: ACMG Guidelines, 2015. Collection method: clinical testing. Allele origin: germline. Affected: yes. Not counted in ClinVar's aggregate classification.
Comment: ACMG classification criteria: PM2, BP4

Breakthrough Genomics
Classification: Uncertain significance. Review status: criteria provided, single submitter. Criteria: ACMG Guidelines, 2015. Collection method: not provided. Allele origin: germline. Inheritance: Autosomal recessive inheritance. Affected: yes. Not counted in ClinVar's aggregate classification.

Immunology Clinic, Ucla
Classification: Likely benign for Activated PI3K-delta syndrome. Review status: no assertion criteria provided. Collection method: research. Allele origin: germline, not applicable. Affected: yes. Not counted in ClinVar's aggregate classification.
Comment: The PIK3CD c.854T>C (p.Met285Thr) variant results in a missense substitution of methionine to threonine at codon 285. This position lies outside of known critical functional domains of the PIK3CD protein. The variant is rare but observed in population databases, with a gnomAD allele frequency of 0.000118, consistent with a benign classification for a rare disease. Functional immune profiling showed T follicular helper (TFH) cells at 9.1% and transitional B cells at 2.3%, both of which are within normal control ranges. Additionally, no aberrant mTOR pathway activation was detected, suggesting preserved PI3K signaling function. Computational predictive tools support a benign interpretation: REVEL classifies the variant as Benign Strong (0.071), SIFT as Benign Moderate (0.295), and AlphaMissense as Benign Supporting (0.2707). No published reports associate this variant with clinical disease. Taken together, the normal immune parameters, absence of mTOR activation, benign computational predictions, and low population frequency support classification of PIK3CD c.854T>C (p.Met285Thr) as Likely Benign

Literature cited by the submitters: PubMed 31031754 (cited by Immunology Clinic, Ucla).